The following is an entry in ClinVar:

ClinVar aggregate classification (germline): Conflicting classifications of pathogenicity. Review status: criteria provided, conflicting classifications (1 of 4 stars). 3 submissions from 3 submitters: Pathogenic (1); Likely pathogenic (1); Uncertain significance (1). Last evaluated 2025-03-21.

Conditions:
Joubert syndrome 3 (JBTS3). Also called: AHI1-related Ciliopathy. Identifiers: Orphanet 220493, MedGen C1837713, MONDO:0012078, OMIM 608629.

Allele frequency attached by ClinVar (database versions not stated): gnomAD exomes below 0.00001; gnomAD 0.00001; TOPMed 0.00002; ESP Exome Variant Server 0.00008.
gnomAD v4.1: 4 of 1,610,686 alleles (0.00025%); highest among the groups gnomAD compares: African/African-American, 0.0027%; no homozygotes.

Submissions (3):

GeneDx
Classification: Likely pathogenic. Last evaluated: 2025-03-21. Review status: criteria provided, single submitter. Criteria: GeneDx Variant Classification Process June 2021. Collection method: clinical testing. Allele origin: germline. Affected: yes.
Comment: Reported in two family members with Joubert syndrome who harbored a second AHI variant in unknown phase (PMID: 26092869); Not observed at significant frequency in large population cohorts (gnomAD); In silico analysis supports that this missense variant has a deleterious effect on protein structure/function; This variant is associated with the following publications: (PMID: 31964843, 26092869, 15467982)

Women's Health and Genetics/Laboratory Corporation of America, LabCorp
Classification: Uncertain significance. Last evaluated: 2025-02-05. Review status: criteria provided, single submitter. Criteria: LabCorp Variant Classification Summary - May 2015. Collection method: clinical testing. Allele origin: germline.
Comment: Variant summary: AHI1 c.2705T>A (p.Val902Asp) results in a non-conservative amino acid change in the encoded protein sequence. Four of five in-silico tools predict a damaging effect of the variant on protein function. The variant allele was found at a frequency of 4.1e-06 in 246566 control chromosomes. c.2705T>A has been reported in the literature in at least two compound heterozygous individuals affected with Joubert Syndrome (e.g. Bachmann-Gagescu_2015). These data indicate that the variant may be associated with disease. To our knowledge, no experimental evidence demonstrating an impact on protein function has been reported. The following publication has been ascertained in the context of this evaluation (PMID: 26092869). ClinVar contains an entry for this variant (Variation ID: 217549). Based on the evidence outlined above, the variant was classified as VUS-possibly pathogenic.

UW Hindbrain Malformation Research Program, University of Washington
Classification: Pathogenic for Joubert syndrome 3. Last evaluated: 2015-02-23. Review status: criteria provided, single submitter. Criteria: Bachmann-Gagescu et al. (J Med Genet. 2015). Collection method: research. Allele origin: unknown. Affected: yes.

Literature cited by the submitters: PubMed 26092869 (cited by Women's Health and Genetics/Laboratory Corporation of America, LabCorp).

NM_001134831.2(AHI1):c.2705T>A (p.Val902Asp)

Gene: AHI1 (Abelson helper integration site 1; minus strand). Cytogenetic location: 6q23.3.
Variant type: single nucleotide variant.
Coding change: c.2705T>A on transcript NM_001134831.2 (MANE Select); coding-DNA position 2705, T replaced by A.
Protein change: p.Val902Asp; replaces valine 902 with aspartic acid.
Molecular consequence: missense variant.
Genome position (GRCh38, 1-based): chr6:135,427,226, A>T on the plus strand (T>A on the coding strand, the complement: AHI1 is on the minus strand). VCF-style: chr6-135427226-A-T. GRCh37 (hg19) VCF-style: chr6-135748364-A-T.
Other names: c.2705T>A, p.Val902Asp (NM_001134830.2, NM_001134832.2, NM_001350503.2 and 2 more transcripts); c.2705T>A (NM_017651.4); short protein forms V902D.
Identifiers: ClinVar variation 217549 (VCV000217549.3), dbSNP rs368788993, ClinGen allele CA277806.